The following is an entry in ClinVar:

ClinVar aggregate classification (germline): Likely benign. Review status: criteria provided, single submitter (1 of 4 stars). 2 submissions from 2 submitters: Likely benign (1). 1 of the submissions does not count toward it. Last evaluated 2026-01-19.

Conditions:
THAP11-related disorder. Also called: THAP11-related condition.

Submissions (2):

Labcorp Genetics (formerly Invitae), Labcorp
Classification: Likely benign. Last evaluated: 2026-01-19. Review status: criteria provided, single submitter. Criteria: Invitae Variant Classification Sherloc (09022015). Collection method: clinical testing. Allele origin: germline.

PreventionGenetics, part of Exact Sciences
Classification: Likely benign for THAP11-related condition. Last evaluated: 2023-12-21. Review status: no assertion criteria provided. Collection method: clinical testing. Allele origin: germline. Not counted in ClinVar's aggregate classification.
Comment: This variant is classified as likely benign based on ACMG/AMP sequence variant interpretation guidelines (Richards et al. 2015 PMID: 25741868, with internal and published modifications).

NM_020457.3(THAP11):c.348ACAGCAGCAGCAGCAGCA[1] (p.Gln127_Gln132del)

Genes: CENPT (centromere protein T; minus strand), THAP11 (THAP domain containing 11; plus strand). Cytogenetic location: 16q22.1.
Variant type: Microsatellite.
Coding change: c.348ACAGCAGCAGCAGCAGCA[1] on transcript NM_020457.3 (MANE Select); one copy of the 18-base unit ACAGCAGCAGCAGCAGCA starting at c.348; the reference has two copies in a row; one copy, 18 bases deleted.
Protein change: p.Gln127_Gln132del.
Molecular consequence: inframe deletion. On other transcripts: intron variant (1).
Genome position (GRCh38, 1-based): chr16:67,842,920-67,842,937, ACAGCAGCAGCAGCAGCA deleted; deleting any 18 consecutive bases within chr16:67,842,894-67,842,937 gives the same sequence; the position shown is the placement nearest the transcript's 3' end. VCF-style (leftmost placement, unchanged base first): chr16-67842893-ACAGCAGCAACAGCAGCAG-A. GRCh37 (hg19) VCF-style: chr16-67876796-ACAGCAGCAACAGCAGCAG-A.
Other names: c.-492+4490_-492+4507del (NM_025082.4).
Identifiers: ClinVar variation 2049481 (VCV002049481.6), dbSNP rs749053848, ClinGen allele CA8118189.